The following is an entry in ClinVar:

ClinVar aggregate classification (germline): Uncertain significance. Review status: criteria provided, multiple submitters, no conflicts (2 of 4 stars). 4 submissions from 4 submitters: Uncertain significance (4). Last evaluated 2025-12-03.

Allele frequency attached by ClinVar (database versions not stated): 1000 Genomes Project 30x 0.00016; 1000 Genomes Project 0.00020; gnomAD 0.00050; TOPMed 0.00051; ExAC 0.00054; ESP Exome Variant Server 0.00069; gnomAD exomes 0.00080.
gnomAD v4.1: 1,304 of 1,614,086 alleles (0.081%); highest among the groups gnomAD compares: South Asian, 0.11%; 3 homozygotes.

Submissions (4):

Ambry Genetics
Classification: Uncertain significance. Last evaluated: 2025-12-03. Review status: criteria provided, single submitter. Criteria: Ambry Variant Classification Scheme 2023. Collection method: clinical testing. Allele origin: germline.

GeneDx
Classification: Uncertain significance. Last evaluated: 2025-06-12. Review status: criteria provided, single submitter. Criteria: GeneDx Variant Classification Process June 2021. Collection method: clinical testing. Allele origin: germline. Affected: yes.
Comment: Has not been previously published as pathogenic or benign to our knowledge; In silico analysis suggests that this missense variant does not alter protein structure/function

Labcorp Genetics (formerly Invitae), Labcorp
Classification: Uncertain significance. Last evaluated: 2025-06-12. Review status: criteria provided, single submitter. Criteria: Invitae Variant Classification Sherloc (09022015). Collection method: clinical testing. Allele origin: germline.
Comment: This sequence change replaces alanine, which is neutral and non-polar, with threonine, which is neutral and polar, at codon 274 of the MAGI2 protein (p.Ala274Thr). This variant is present in population databases (rs142493469, gnomAD 0.09%), and has an allele count higher than expected for a pathogenic variant. This variant has not been reported in the literature in individuals affected with MAGI2-related conditions. ClinVar contains an entry for this variant (Variation ID: 2220078). An algorithm developed to predict the effect of missense changes on protein structure and function (PolyPhen-2) suggests that this variant is likely to be tolerated. In summary, the available evidence is currently insufficient to determine the role of this variant in disease. Therefore, it has been classified as a Variant of Uncertain Significance.

Blueprint Genetics
Classification: Uncertain significance. Last evaluated: 2024-10-15. Review status: criteria provided, single submitter. Criteria: ACMG Guidelines, 2015. Collection method: clinical testing. Allele origin: germline.

NM_012301.4(MAGI2):c.820G>A (p.Ala274Thr)

Gene: MAGI2 (membrane associated guanylate kinase, WW and PDZ domain containing 2; minus strand). Cytogenetic location: 7q21.11.
Variant type: single nucleotide variant.
Coding change: c.820G>A on transcript NM_012301.4 (MANE Select); coding-DNA position 820, G replaced by A.
Protein change: p.Ala274Thr; replaces alanine 274 with threonine.
Molecular consequence: missense variant.
Genome position (GRCh38, 1-based): chr7:78,501,722, C>T on the plus strand (G>A on the coding strand, the complement: MAGI2 is on the minus strand). VCF-style: chr7-78501722-C-T. GRCh37 (hg19) VCF-style: chr7-78131039-C-T.
Other names: c.820G>A, p.Ala274Thr (NM_001301128.2); c.820G>A (NM_012301.3); short protein forms A274T.
Identifiers: ClinVar variation 2220078 (VCV002220078.11), dbSNP rs142493469, ClinGen allele CA4314173.